The following is an entry in ClinVar:

ClinVar aggregate classification (germline): Uncertain significance (1 of 4 stars; one submission).

Conditions:
Hereditary cancer-predisposing syndrome. Also called: Neoplastic Syndromes, Hereditary; Tumor predisposition; Hereditary neoplastic syndrome; Hereditary Cancer Syndrome. Identifiers: Orphanet 140162, MedGen C0027672, MeSH D009386, MONDO:0015356.

Submission:

Ambry Genetics
Classification: Uncertain significance for Hereditary cancer-predisposing syndrome. Last evaluated: 2024-03-22. Review status: criteria provided, single submitter. Criteria: Ambry Variant Classification Scheme 2023. Collection method: clinical testing. Allele origin: germline.
Comment: The p.R1394L variant (also known as c.4181G>T), located in coding exon 23 of the PTCH1 gene, results from a G to T substitution at nucleotide position 4181. The arginine at codon 1394 is replaced by leucine, an amino acid with dissimilar properties. This amino acid position is conserved. In addition, the in silico prediction for this alteration is inconclusive. Based on the available evidence, the clinical significance of this alteration remains unclear.

NM_000264.5(PTCH1):c.4181G>T (p.Arg1394Leu)

Gene: PTCH1 (patched 1; minus strand). Cytogenetic location: 9q22.32.
Variant type: single nucleotide variant.
Coding change: c.4181G>T on transcript NM_000264.5 (MANE Select); coding-DNA position 4181, G replaced by T.
Protein change: p.Arg1394Leu; replaces arginine 1394 with leucine.
Molecular consequence: missense variant. On other transcripts: non-coding transcript variant (1).
Genome position (GRCh38, 1-based): chr9:95,447,075, C>A on the plus strand (G>T on the coding strand, the complement: PTCH1 is on the minus strand). VCF-style: chr9-95447075-C-A. GRCh37 (hg19) VCF-style: chr9-98209357-C-A.
Other names: c.3983G>T, p.Arg1328Leu (NM_001083602.3); c.4178G>T, p.Arg1393Leu (NM_001083603.3); c.3728G>T, p.Arg1243Leu (NM_001083604.3, NM_001083605.3, NM_001083606.3 and 1 more transcripts); c.4025G>T, p.Arg1342Leu (NM_001354918.2); short protein forms R1243L, R1328L, R1342L, R1393L, R1394L.
Identifiers: ClinVar variation 3311135 (VCV003311135.1).